The following is an entry in ClinVar:

NM_000057.4(BLM):c.460T>C (p.Trp154Arg)

Gene: BLM (BLM RecQ like helicase; plus strand). Cytogenetic location: 15q26.1.
Variant type: single nucleotide variant.
Coding change: c.460T>C on transcript NM_000057.4 (MANE Select); coding-DNA position 460, T replaced by C.
Protein change: p.Trp154Arg; replaces tryptophan 154 with arginine.
Molecular consequence: missense variant. On other transcripts: 5 prime UTR variant (1).
Genome position (GRCh38, 1-based): chr15:90,749,728, T>C. VCF-style: chr15-90749728-T-C. GRCh37 (hg19) VCF-style: chr15-91292958-T-C.
Other names: c.460T>C (NM_000057.2); c.460T>C, p.Trp154Arg (NM_001287246.2, NM_001287247.2); c.-832T>C (NM_001287248.2); short protein forms W154R.
Identifiers: ClinVar variation 845793 (VCV000845793.12), dbSNP rs1226287991, ClinGen allele CA393840813.

ClinVar aggregate classification (germline): Uncertain significance. Review status: criteria provided, multiple submitters, no conflicts (2 of 4 stars). 2 submissions from 2 submitters: Uncertain significance (2). Last evaluated 2024-09-17.

Conditions:
Bloom syndrome (BLM). Also called: Bloom-Torre-Machacek syndrome. Identifiers: Orphanet 125, MedGen C0005859, MONDO:0008876, OMIM 210900.
Hereditary cancer-predisposing syndrome. Also called: Tumor predisposition; Hereditary neoplastic syndrome; Neoplastic Syndromes, Hereditary; Hereditary Cancer Syndrome. Identifiers: Orphanet 140162, MedGen C0027672, MeSH D009386, MONDO:0015356.

Allele frequency attached by ClinVar (database versions not stated): gnomAD exomes below 0.00001.
gnomAD v4.1: 1 of 1,614,184 alleles (0.000062%); highest among the groups gnomAD compares: Admixed American, 0.0017%; no homozygotes.

Submissions (2):

Labcorp Genetics (formerly Invitae), Labcorp
Classification: Uncertain significance for Bloom syndrome. Last evaluated: 2024-09-17. Review status: criteria provided, single submitter. Criteria: Invitae Variant Classification Sherloc (09022015). Collection method: clinical testing. Allele origin: germline.
Comment: This sequence change replaces tryptophan, which is neutral and slightly polar, with arginine, which is basic and polar, at codon 154 of the BLM protein (p.Trp154Arg). This variant is present in population databases (no rsID available, gnomAD 0.003%). This variant has not been reported in the literature in individuals affected with BLM-related conditions. ClinVar contains an entry for this variant (Variation ID: 845793). An algorithm developed to predict the effect of missense changes on protein structure and function (PolyPhen-2) suggests that this variant is likely to be disruptive. In summary, the available evidence is currently insufficient to determine the role of this variant in disease. Therefore, it has been classified as a Variant of Uncertain Significance.

Ambry Genetics
Classification: Uncertain significance for Hereditary cancer-predisposing syndrome. Last evaluated: 2024-04-27. Review status: criteria provided, single submitter. Criteria: Ambry Variant Classification Scheme 2023. Collection method: clinical testing. Allele origin: germline.
Comment: The p.W154R variant (also known as c.460T>C), located in coding exon 2 of the BLM gene, results from a T to C substitution at nucleotide position 460. The tryptophan at codon 154 is replaced by arginine, an amino acid with dissimilar properties. This amino acid position is conserved. In addition, this alteration is predicted to be deleterious by in silico analysis. Based on the available evidence, the clinical significance of this variant remains unclear.